The following is an entry in ClinVar:

NM_005458.8(GABBR2):c.1026CAA[2] (p.Asn344del)

Gene: GABBR2 (gamma-aminobutyric acid type B receptor subunit 2; minus strand). Cytogenetic location: 9q22.33.
Variant type: Microsatellite.
Coding change: c.1026CAA[2] on transcript NM_005458.8 (MANE Select); two copies in a row of the 3-base unit CAA starting at c.1026; the reference has three copies in a row; one copy, 3 bases deleted.
Protein change: p.Asn344del; deletes asparagine 344.
Molecular consequence: inframe deletion.
Genome position (GRCh38, 1-based): chr9:98,454,183-98,454,185, TTG deleted on the plus strand (CAA on the coding strand, the reverse complement: GABBR2 is on the minus strand); deleting any 3 consecutive bases within chr9:98,454,183-98,454,192 gives the same sequence; the position shown is the placement nearest the transcript's 3' end. VCF-style (leftmost placement, unchanged base first): chr9-98454182-CTTG-C. GRCh37 (hg19) VCF-style: chr9-101216464-CTTG-C.
Other names: short protein forms N344del.
Identifiers: ClinVar variation 2779939 (VCV002779939.3), dbSNP rs2491624430, ClinGen allele CA645547597.

ClinVar aggregate classification (germline): Uncertain significance (1 of 4 stars; one submission).

Conditions:
Epileptic encephalopathy. Identifiers: MedGen C0543888, HP:0200134.

Submission:

Labcorp Genetics (formerly Invitae), Labcorp
Classification: Uncertain significance for Epileptic encephalopathy. Last evaluated: 2023-11-11. Review status: criteria provided, single submitter. Criteria: Invitae Variant Classification Sherloc (09022015). Collection method: clinical testing. Allele origin: germline.
Comment: This variant, c.1032_1034del, results in the deletion of 1 amino acid(s) of the GABBR2 protein (p.Asn344del), but otherwise preserves the integrity of the reading frame. This variant is not present in population databases (gnomAD no frequency). This variant has not been reported in the literature in individuals affected with GABBR2-related conditions. Experimental studies and prediction algorithms are not available or were not evaluated, and the functional significance of this variant is currently unknown. In summary, the available evidence is currently insufficient to determine the role of this variant in disease. Therefore, it has been classified as a Variant of Uncertain Significance.